The following is an entry in ClinVar:

ClinVar aggregate classification (germline): Pathogenic (1 of 4 stars; one submission).

Conditions:
Familial adenomatous polyposis 1 (FAP1). Also called: POLYPOSIS, ADENOMATOUS INTESTINAL; FAMILIAL ADENOMATOUS POLYPOSIS 1, ATTENUATED. Identifiers: MedGen C2713442, MONDO:0021056, OMIM 175100. Disease mechanism: loss of function.

Submission:

Myriad Genetics, Inc.
Classification: Pathogenic for Familial adenomatous polyposis 1. Last evaluated: 2023-04-26. Review status: criteria provided, single submitter. Criteria: Myriad Autosomal Dominant, Autosomal Recessive and X-Linked Classification Criteria (2023). Collection method: clinical testing. Allele origin: unknown.
Comment: This variant is considered pathogenic. This variant creates a frameshift predicted to result in premature protein truncation.

NM_000038.6(APC):c.573_577dup (p.Ala193fs)

Gene: APC (APC regulator of Wnt signaling pathway; plus strand). Cytogenetic location: 5q22.2.
Variant type: Duplication.
Coding change: c.573_577dup on transcript NM_000038.6 (MANE Select); coding-DNA positions 573 to 577, 5 bases duplicated (TGAAG; older notation c.573_577dupTGAAG).
Protein change: p.Ala193fs; shifts the reading frame from alanine 193.
Molecular consequence: frameshift variant. On other transcripts: 5 prime UTR variant (4), non-coding transcript variant (2).
Genome position (GRCh38, 1-based): chr5:112,780,831-112,780,835, TGAAG duplicated. VCF-style (leftmost placement, unchanged base first): chr5-112780830-A-ATGAAG. GRCh37 (hg19) VCF-style: chr5-112116527-A-ATGAAG.
Other names: c.573_577dup, p.Ala193fs (NM_001127510.3, NM_001354895.2, NM_001354896.2 and 16 more transcripts); c.603_607dup, p.Ala203fs (NM_001127511.3, NM_001354897.2, NM_001354902.2 and 1 more transcripts); c.498_502dup, p.Ala168fs (NM_001354898.2, NM_001354904.2, NM_001407451.1); c.396_400dup, p.Ala134fs (NM_001354900.2, NM_001354901.2, NM_001354905.2 and 1 more transcripts); c.-463_-459dup (NM_001354906.2, NM_001407470.1, NM_001407471.1 and 1 more transcripts); short protein forms A134fs, A168fs, A193fs, A203fs.
Identifiers: ClinVar variation 2583686 (VCV002583686.2), dbSNP rs2532486689, ClinGen allele CA2582341599.
Genomic context (GRCh38, chr5:112,780,830, plus strand): 5'-TTTATTATTTGTGGTTTTAGTTTTCCTTACAAACAGATATGACCAGAAGGCAATTGGAAT[A>ATGAAG]TGAAGCAAGGCAAATCAGAGTTGCGATGGAAGAACAACTAGGTACCTGCCAGGATATGGA-3'